The following is an entry in ClinVar:

NM_000051.4(ATM):c.7178T>G (p.Phe2393Cys)

Genes: C11orf65 (chromosome 11 open reading frame 65; minus strand), ATM (ATM serine/threonine kinase; plus strand). Cytogenetic location: 11q22.3.
Variant type: single nucleotide variant.
Coding change: c.7178T>G on transcript NM_000051.4 (MANE Select); coding-DNA position 7178, T replaced by G.
Protein change: p.Phe2393Cys; replaces phenylalanine 2393 with cysteine.
Molecular consequence: missense variant. On other transcripts: intron variant (2).
Genome position (GRCh38, 1-based): chr11:108,329,109, T>G. VCF-style: chr11-108329109-T-G. GRCh37 (hg19) VCF-style: chr11-108199836-T-G.
Other names: c.7178T>G, p.Phe2393Cys (NM_001351834.2); c.641-20038A>C (NM_001330368.2); c.*38+6111A>C (NM_001351110.2); short protein forms F2393C.
Identifiers: ClinVar variation 524393 (VCV000524393.11), dbSNP rs1555122073, ClinGen allele CA382559568.
Genomic context (GRCh38, chr11:108,329,109, plus strand): 5'-GAGAAAGTAGTGATGAGCTAAGAAATGGAAAAATGAAGGCATTTCTCTCATTAGCCCGGT[T>G]TTCAGATACTCAATACCAAAGAATTGAAAACTACATGAAATCATCGGAATTTGAAAACAA-3'
Protein context (NP_000042.3, residues 2383-2403): KMKAFLSLAR[Phe2393Cys]SDTQYQRIEN

ClinVar aggregate classification (germline): Uncertain significance (1 of 4 stars; one submission).

Conditions:
Ataxia-telangiectasia syndrome (AT). Also called: Cerebello-oculocutaneous telangiectasia; Immunodeficiency with ataxia telangiectasia; Ataxia-telangiectasia, complementation group E; Ataxia-telangiectasia, complementation group D; AT, COMPLEMENTATION GROUP C; ATAXIA-TELANGIECTASIA, COMPLEMENTATION GROUP A. Identifiers: Orphanet 100, MedGen C0004135, MONDO:0008840, OMIM 208900.

Submission:

Labcorp Genetics (formerly Invitae), Labcorp
Classification: Uncertain significance for Ataxia-telangiectasia syndrome. Last evaluated: 2022-12-04. Review status: criteria provided, single submitter. Criteria: Invitae Variant Classification Sherloc (09022015). Collection method: clinical testing. Allele origin: germline.
Comment: In summary, the available evidence is currently insufficient to determine the role of this variant in disease. Therefore, it has been classified as a Variant of Uncertain Significance. Algorithms developed to predict the effect of missense changes on protein structure and function (SIFT, PolyPhen-2, Align-GVGD) all suggest that this variant is likely to be disruptive. ClinVar contains an entry for this variant (Variation ID: 524393). This variant has not been reported in the literature in individuals affected with ATM-related conditions. This variant is not present in population databases (gnomAD no frequency). This sequence change replaces phenylalanine, which is neutral and non-polar, with cysteine, which is neutral and slightly polar, at codon 2393 of the ATM protein (p.Phe2393Cys).